The following is an entry in ClinVar:

NM_004415.4(DSP):c.1441G>T (p.Glu481Ter)

Gene: DSP (desmoplakin; plus strand). Cytogenetic location: 6p24.3.
Variant type: single nucleotide variant.
Coding change: c.1441G>T on transcript NM_004415.4 (MANE Select); coding-DNA position 1441, G replaced by T.
Protein change: p.Glu481Ter; replaces glutamic acid 481 with a stop codon.
Molecular consequence: nonsense.
Genome position (GRCh38, 1-based): chr6:7,569,207, G>T. VCF-style: chr6-7569207-G-T. GRCh37 (hg19) VCF-style: chr6-7569440-G-T.
Other names: c.1441G>T, p.Glu481Ter (NM_001008844.3, NM_001319034.2); short protein forms E481*.
Identifiers: ClinVar variation 2943106 (VCV002943106.3), dbSNP rs1758958794, ClinGen allele CA362677402.

ClinVar aggregate classification (germline): Pathogenic (1 of 4 stars; one submission).

Conditions:
Arrhythmogenic cardiomyopathy with wooly hair and keratoderma. Also called: Arrhythmogenic cardiomyopathy with woolly hair and keratoderma; PALMOPLANTAR KERATODERMA WITH LEFT VENTRICULAR CARDIOMYOPATHY AND WOOLLY HAIR; Carvajal syndrome; Dilated cardiomyopathy with woolly hair and keratoderma. Identifiers: Orphanet 65282, MedGen C1854063, MONDO:0011581, OMIM 605676.
Arrhythmogenic right ventricular dysplasia 8 (ARVD8). Also called: Arrhythmogenic Right Ventricular Dysplasia/Cardiomyopathy 8; ARRHYTHMOGENIC RIGHT VENTRICULAR DYSPLASIA, FAMILIAL, 8; ARRHYTHMOGENIC RIGHT VENTRICULAR CARDIOMYOPATHY 8. Identifiers: MedGen C1843896, MONDO:0011831, OMIM 607450.

Submission:

Labcorp Genetics (formerly Invitae), Labcorp
Classification: Pathogenic for Arrhythmogenic cardiomyopathy with wooly hair and keratoderma; Arrhythmogenic right ventricular dysplasia 8. Last evaluated: 2023-05-24. Review status: criteria provided, single submitter. Criteria: Invitae Variant Classification Sherloc (09022015). Collection method: clinical testing. Allele origin: germline.
Comment: For these reasons, this variant has been classified as Pathogenic. This variant has not been reported in the literature in individuals affected with DSP-related conditions. This variant is not present in population databases (gnomAD no frequency). This sequence change creates a premature translational stop signal (p.Glu481*) in the DSP gene. It is expected to result in an absent or disrupted protein product. Loss-of-function variants in DSP are known to be pathogenic (PMID: 20716751, 24503780, 25227139).

Literature cited by the submitters: PubMed 20716751; PubMed 24503780; PubMed 25227139.